The following is an entry in ClinVar:

NM_003240.5(LEFTY2):c.982G>A (p.Val328Ile)

Gene: LEFTY2 (left-right determination factor 2; minus strand). Cytogenetic location: 1q42.12.
Variant type: single nucleotide variant.
Coding change: c.982G>A on transcript NM_003240.5 (MANE Select); coding-DNA position 982, G replaced by A.
Protein change: p.Val328Ile; replaces valine 328 with isoleucine.
Molecular consequence: missense variant.
Genome position (GRCh38, 1-based): chr1:225,937,560, C>T on the plus strand (G>A on the coding strand, the complement: LEFTY2 is on the minus strand). VCF-style: chr1-225937560-C-T. GRCh37 (hg19) VCF-style: chr1-226125260-C-T.
Other names: p.V328I:GTC>ATC; c.880G>A, p.Val294Ile (NM_001172425.3); short protein forms V328I, V294I.
Identifiers: ClinVar variation 138111 (VCV000138111.19), dbSNP rs61731738, ClinGen allele CA291917.

ClinVar aggregate classification (germline): Benign. Review status: criteria provided, multiple submitters, no conflicts (2 of 4 stars). 7 submissions from 7 submitters: Benign (5). 2 of the submissions do not count toward it. Last evaluated 2026-02-02.

Conditions:
Left-right axis malformations. Identifiers: MedGen C1866091.

Allele frequency attached by ClinVar (database versions not stated): gnomAD exomes 0.00370 and 0.00974; ExAC 0.01225; gnomAD 0.03803 and 0.04082; ESP Exome Variant Server 0.04175; TOPMed 0.04319; 1000 Genomes Project 0.04333; 1000 Genomes Project 30x 0.04466.

Submissions (7):

Labcorp Genetics (formerly Invitae), Labcorp
Classification: Benign for Left-right axis malformations. Last evaluated: 2026-02-02. Review status: criteria provided, single submitter. Criteria: Invitae Variant Classification Sherloc (09022015). Collection method: clinical testing. Allele origin: germline.

Illumina Laboratory Services, Illumina
Classification: Benign for Left-right axis malformations. Last evaluated: 2018-01-12. Review status: criteria provided, single submitter. Criteria: ICSL Variant Classification Criteria 13 December 2019. Collection method: clinical testing. Allele origin: germline.
Comment: This variant was observed in the ICSL laboratory as part of a predisposition screen in an ostensibly healthy population. It had not been previously curated by ICSL or reported in the Human Gene Mutation Database (HGMD: prior to June 1st, 2018), and was therefore a candidate for classification through an automated scoring system. Utilizing variant allele frequency, disease prevalence and penetrance estimates, and inheritance mode, an automated score was calculated to assess if this variant is too frequent to cause the disease. Based on the score and internal cut-off values, a variant classified as benign is not then subjected to further curation. The score for this variant resulted in a classification of benign for this disease.

GeneDx
Classification: Benign. Last evaluated: 2012-12-31. Review status: criteria provided, single submitter. Criteria: GeneDx Variant Classification (06012015). Collection method: clinical testing. Allele origin: germline. Affected: yes.
Comment: This variant is considered likely benign or benign based on one or more of the following criteria: it is a conservative change, it occurs at a poorly conserved position in the protein, it is predicted to be benign by multiple in silico algorithms, and/or has population frequency not consistent with disease.

Breakthrough Genomics
Classification: Benign. Review status: criteria provided, single submitter. Criteria: ACMG Guidelines, 2015. Collection method: not provided. Allele origin: germline. Inheritance: Unknown mechanism. Affected: yes.

PreventionGenetics, part of Exact Sciences
Classification: Benign. Review status: criteria provided, single submitter. Criteria: ACMG Guidelines, 2015. Collection method: clinical testing. Allele origin: germline.

Clinical Genetics DNA and cytogenetics Diagnostics Lab, Erasmus MC, Erasmus Medical Center
Classification: Benign. Review status: no assertion criteria provided. Collection method: clinical testing. Allele origin: germline. Affected: yes. Study: VKGL Data-share Consensus. Not counted in ClinVar's aggregate classification.

Joint Genome Diagnostic Labs from Nijmegen and Maastricht, Radboudumc and MUMC+
Classification: Benign. Review status: no assertion criteria provided. Collection method: clinical testing. Allele origin: germline. Affected: yes. Study: VKGL Data-share Consensus. Not counted in ClinVar's aggregate classification.